The following is an entry in ClinVar:

ClinVar aggregate classification (germline): Uncertain significance (1 of 4 stars; one submission).

Submission:

Labcorp Genetics (formerly Invitae), Labcorp
Classification: Uncertain significance. Last evaluated: 2022-06-07. Review status: criteria provided, single submitter. Criteria: Invitae Variant Classification Sherloc (09022015). Collection method: clinical testing. Allele origin: germline.
Comment: This sequence change replaces glutamic acid, which is acidic and polar, with aspartic acid, which is acidic and polar, at codon 274 of the EXOC3L2 protein (p.Glu274Asp). This variant is not present in population databases (gnomAD no frequency). This variant has not been reported in the literature in individuals affected with EXOC3L2-related conditions. Algorithms developed to predict the effect of missense changes on protein structure and function (SIFT, PolyPhen-2, Align-GVGD) all suggest that this variant is likely to be tolerated. In summary, the available evidence is currently insufficient to determine the role of this variant in disease. Therefore, it has been classified as a Variant of Uncertain Significance.

NM_001382422.1(EXOC3L2):c.2001G>C (p.Glu667Asp)

Genes: BLOC1S3 (biogenesis of lysosomal organelles complex 1 subunit 3; plus strand), EXOC3L2 (exocyst complex component 3 like 2; minus strand). Cytogenetic location: 19q13.32.
Variant type: single nucleotide variant.
Coding change: c.2001G>C on transcript NM_001382422.1 (MANE Select); coding-DNA position 2001, G replaced by C.
Protein change: p.Glu667Asp; replaces glutamic acid 667 with aspartic acid.
Molecular consequence: missense variant.
Genome position (GRCh38, 1-based): chr19:45,216,192, C>G on the plus strand (G>C on the coding strand, the complement: EXOC3L2 is on the minus strand). VCF-style: chr19-45216192-C-G. GRCh37 (hg19) VCF-style: chr19-45719450-C-G.
Other names: short protein forms E667D.
Identifiers: ClinVar variation 2001743 (VCV002001743.4), dbSNP rs2513864905, ClinGen allele CA406331570.